The following is an entry in ClinVar:

ClinVar aggregate classification (germline): Conflicting classifications of pathogenicity. Review status: criteria provided, conflicting classifications (1 of 4 stars). 2 submissions from 2 submitters: Uncertain significance (1); Likely benign (1). Last evaluated 2025-04-13.

Conditions:
Inborn genetic diseases. Identifiers: MedGen C0950123, MeSH D030342.

Allele frequency attached by ClinVar (database versions not stated): gnomAD 0.00001; gnomAD exomes 0.00001; TOPMed 0.00001; ExAC 0.00002.
gnomAD v4.1: 18 of 1,614,094 alleles (0.0011%); highest among the groups gnomAD compares: African/African-American, 0.0027%; no homozygotes.

Submissions (2):

Ambry Genetics
Classification: Likely benign for Inborn genetic diseases. Last evaluated: 2025-04-13. Review status: criteria provided, single submitter. Criteria: Ambry Variant Classification Scheme 2023. Collection method: clinical testing. Allele origin: germline.

Labcorp Genetics (formerly Invitae), Labcorp
Classification: Uncertain significance. Last evaluated: 2024-07-02. Review status: criteria provided, single submitter. Criteria: Invitae Variant Classification Sherloc (09022015). Collection method: clinical testing. Allele origin: germline.
Comment: This sequence change replaces valine, which is neutral and non-polar, with isoleucine, which is neutral and non-polar, at codon 842 of the TRRAP protein (p.Val842Ile). This variant is present in population databases (rs782764762, gnomAD 0.008%). This variant has not been reported in the literature in individuals affected with TRRAP-related conditions. ClinVar contains an entry for this variant (Variation ID: 2180947). Advanced modeling of protein sequence and biophysical properties (such as structural, functional, and spatial information, amino acid conservation, physicochemical variation, residue mobility, and thermodynamic stability) performed at Invitae indicates that this missense variant is not expected to disrupt TRRAP protein function with a negative predictive value of 80%. In summary, the available evidence is currently insufficient to determine the role of this variant in disease. Therefore, it has been classified as a Variant of Uncertain Significance.

NM_001375524.1(TRRAP):c.2524G>A (p.Val842Ile)

Gene: TRRAP (transformation/transcription domain associated protein; plus strand). Cytogenetic location: 7q22.1.
Variant type: single nucleotide variant.
Coding change: c.2524G>A on transcript NM_001375524.1 (MANE Select); coding-DNA position 2524, G replaced by A.
Protein change: p.Val842Ile; replaces valine 842 with isoleucine.
Molecular consequence: missense variant.
Genome position (GRCh38, 1-based): chr7:98,917,581, G>A. VCF-style: chr7-98917581-G-A. GRCh37 (hg19) VCF-style: chr7-98515204-G-A.
Other names: c.2524G>A, p.Val842Ile (NM_001244580.2, NM_003496.4); c.2524G>A (NM_001244580.1); short protein forms V842I.
Identifiers: ClinVar variation 2180947 (VCV002180947.5), dbSNP rs782764762, ClinGen allele CA4359773.